The following is an entry in ClinVar:

ClinVar aggregate classification (germline): Uncertain significance (1 of 4 stars; one submission).

Conditions:
Marinesco-Sjögren syndrome (MSS). Also called: Marinesco-Sjogren Syndrome; Marinesco-SjÃ¶gren syndrome. Identifiers: Orphanet 559, MedGen C0024814, MONDO:0009567, OMIM 248800.

Allele frequency attached by ClinVar (database versions not stated): ExAC 0.00003; gnomAD exomes 0.00003; gnomAD 0.00007; TOPMed 0.00009; 1000 Genomes Project 30x 0.00016; 1000 Genomes Project 0.00020.
gnomAD v4.1: 61 of 1,613,618 alleles (0.0038%); highest among the groups gnomAD compares: East Asian, 0.06%; no homozygotes.

Submission:

Labcorp Genetics (formerly Invitae), Labcorp
Classification: Uncertain significance for Marinesco-SjÃ¶gren syndrome. Last evaluated: 2019-02-22. Review status: criteria provided, single submitter. Criteria: Invitae Variant Classification Sherloc (09022015). Collection method: clinical testing. Allele origin: germline.
Comment: This sequence change replaces arginine with cysteine at codon 365 of the SIL1 protein (p.Arg365Cys). The arginine residue is moderately conserved and there is a large physicochemical difference between arginine and cysteine. This variant is present in population databases (rs201560093, ExAC 0.03%). This variant has not been reported in the literature in individuals with SIL1-related conditions. Algorithms developed to predict the effect of missense changes on protein structure and function are either unavailable or do not agree on the potential impact of this missense change (SIFT: "Tolerated"; PolyPhen-2: "Probably Damaging"; Align-GVGD: "Class C0"). In summary, the available evidence is currently insufficient to determine the role of this variant in disease. Therefore, it has been classified as a Variant of Uncertain Significance.

NM_022464.5(SIL1):c.1093C>T (p.Arg365Cys)

Gene: SIL1 (SIL1 nucleotide exchange factor; minus strand). Cytogenetic location: 5q31.2.
Variant type: single nucleotide variant.
Coding change: c.1093C>T on transcript NM_022464.5 (MANE Select); coding-DNA position 1093, C replaced by T.
Protein change: p.Arg365Cys; replaces arginine 365 with cysteine.
Molecular consequence: missense variant.
Genome position (GRCh38, 1-based): chr5:138,947,410, G>A on the plus strand (C>T on the coding strand, the complement: SIL1 is on the minus strand). VCF-style: chr5-138947410-G-A. GRCh37 (hg19) VCF-style: chr5-138283099-G-A.
Other names: c.1093C>T, p.Arg365Cys (NM_001037633.2); short protein forms R365C.
Identifiers: ClinVar variation 862408 (VCV000862408.1), dbSNP rs201560093, ClinGen allele CA3432370.